The following is an entry in ClinVar:

NM_005090.4(JMJD7-PLA2G4B):c.1264C>T (p.Arg422Cys)

Genes: JMJD7-PLA2G4B (JMJD7-PLA2G4B readthrough; plus strand), PLA2G4B (phospholipase A2 group IVB; plus strand). Cytogenetic location: 15q15.1.
Variant type: single nucleotide variant.
Coding change: c.1264C>T on transcript NM_005090.4; coding-DNA position 1264, C replaced by T.
Protein change: p.Arg422Cys; replaces arginine 422 with cysteine.
Molecular consequence: missense variant.
Genome position (GRCh38, 1-based): chr15:41,841,899, C>T. VCF-style: chr15-41841899-C-T. GRCh37 (hg19) VCF-style: chr15-42134097-C-T.
Other names: c.571C>T, p.Arg191Cys (NM_001114633.2); c.1264C>T, p.Arg422Cys (NM_001198588.2); short protein forms R191C, R422C.
Identifiers: ClinVar variation 3059567 (VCV003059567.2), dbSNP rs3816533, ClinGen allele CA7499686.
Genomic context (GRCh38, chr15:41,841,899, plus strand): 5'-CTTGTGGTTCCTGGGTCCTGTGAGGGTCCGCAGGAGGCCTCTGTGGGCACTGGCACCTTC[C>T]GCTTCCACTGCCCAGCCTGCTGGGAGCAGGAGCTGAGTATTCGCCTGCAGGTAGTGTGCC-3'

ClinVar aggregate classification (germline): Benign (0 of 4 stars; one submission).

Conditions:
JMJD7-PLA2G4B-related disorder. Also called: JMJD7-PLA2G4B-related condition.

Allele frequency attached by ClinVar (database versions not stated): ESP Exome Variant Server 0.11195; ExAC 0.19284; 1000 Genomes Project 30x 0.21237; 1000 Genomes Project 0.22145.
gnomAD v4.1: 261,942 of 1,612,682 alleles (16%); highest among the groups gnomAD compares: East Asian, 69%; 28,950 homozygotes.

Submission:

PreventionGenetics, part of Exact Sciences
Classification: Benign for JMJD7-PLA2G4B-related condition. Last evaluated: 2019-10-22. Review status: no assertion criteria provided. Collection method: clinical testing. Allele origin: germline.
Comment: This variant is classified as benign based on ACMG/AMP sequence variant interpretation guidelines (Richards et al. 2015 PMID: 25741868, with internal and published modifications).